The following is an entry in ClinVar:

NM_001128425.2(MUTYH):c.38C>T (p.Ala13Val)

Gene: MUTYH (mutY DNA glycosylase; minus strand). Cytogenetic location: 1p34.1.
Variant type: single nucleotide variant.
Coding change: c.38C>T on transcript NM_001128425.2 (MANE Plus Clinical); coding-DNA position 38, C replaced by T.
Protein change: p.Ala13Val; replaces alanine 13 with valine.
Molecular consequence: missense variant. On other transcripts: 5 prime UTR variant (10), non-coding transcript variant (2).
Genome position (GRCh38, 1-based): chr1:45,334,510, G>A on the plus strand (C>T on the coding strand, the complement: MUTYH is on the minus strand). VCF-style: chr1-45334510-G-A. GRCh37 (hg19) VCF-style: chr1-45800182-G-A.
Other names: c.-5C>T (NM_001048171.2, NM_001048172.2, NM_001048173.2 and 3 more transcripts); c.38C>T, p.Ala13Val (NM_001293190.2, NM_012222.3); c.-217C>T (NM_001293192.2, NM_001293196.2); c.-276C>T (NM_001350650.2); c.-212C>T (NM_001350651.2); short protein forms A13V.
Identifiers: ClinVar variation 135987 (VCV000135987.32), dbSNP rs587780747, ClinGen allele CA013492.
Genomic context (GRCh38, chr1:45,334,510, plus strand): 5'-TGGCTGGCTGCCTGCTTCCTGTGACCACTTCCCACGGCTGCTCGTGGCTTCCTCATGATG[G>A]CCTGAAACAAAAAGACCCAGCCAAAGCAGTCAGTCACAATGAGGCCAAATTTTGAGGCCT-3'
Protein context (NP_001121897.1, residues 3-23): PLVSRLSRLW[Ala13Val]IMRKPRAAVG

ClinVar aggregate classification (germline): Conflicting classifications of pathogenicity. Review status: criteria provided, conflicting classifications (1 of 4 stars). 11 submissions from 11 submitters: Uncertain significance (9); Likely benign (1). 1 of the submissions does not count toward it. Last evaluated 2026-01-28.

Conditions:
MUTYH-related disorder. Also called: MUTYH-related disorders; MUTYH-related condition.
Familial adenomatous polyposis 2. Also called: COLORECTAL ADENOMATOUS POLYPOSIS, AUTOSOMAL RECESSIVE; ADENOMAS, MULTIPLE COLORECTAL, AUTOSOMAL RECESSIVE; MUTYH Polyposis; MYH-associated polyposis; FAP type 2; Adenomas, multiple colorectal. Identifiers: Orphanet 220460, Orphanet 247798, MedGen C3272841, MONDO:0012041, OMIM 608456.
Gastric cancer. Also called: Malignant tumor of stomach; Stomach cancer. Identifiers: MedGen C0024623, MeSH D013274, MONDO:0001056, OMIM 613659, HP:0012126.
Hereditary cancer-predisposing syndrome. Also called: Neoplastic Syndromes, Hereditary; Tumor predisposition; Hereditary Cancer Syndrome; Hereditary neoplastic syndrome. Identifiers: Orphanet 140162, MedGen C0027672, MeSH D009386, MONDO:0015356.

Allele frequency attached by ClinVar (database versions not stated): gnomAD 0.00001; gnomAD exomes 0.00001; TOPMed 0.00002.
gnomAD v4.1: 22 of 1,613,840 alleles (0.0014%); highest among the groups gnomAD compares: Non-Finnish European, 0.0018%; no homozygotes.

Submissions (11):

PreventionGenetics, part of Exact Sciences
Classification: Uncertain significance for MUTYH-related condition. Last evaluated: 2026-01-28. Review status: criteria provided, single submitter. Criteria: ACMG Guidelines, 2015. Collection method: clinical testing. Allele origin: germline.
Comment: The MUTYH c.38C>T variant is predicted to result in the amino acid substitution p.Ala13Val. This variant has been reported in the literature in individuals with breast cancer (Table S4, Bhai et al. 2021. PubMed ID: 34326862; Breast Cancer Association Consortium et al. 2021. PubMed ID: 33471991) and in an individual with cancer, type unspecified (Oliveira et al. 2023. PubMed ID: 38074417). This variant is reported in 0.0026% of alleles in individuals of European (Non-Finnish) descent in gnomAD and has conflicting interpretations in ClinVar ranging from uncertain to likely benign (Variation ID: 135987). At this time, the clinical significance of this variant is uncertain due to the absence of conclusive functional and genetic evidence.

Labcorp Genetics (formerly Invitae), Labcorp
Classification: Uncertain significance for Familial adenomatous polyposis 2. Last evaluated: 2026-01-26. Review status: criteria provided, single submitter. Criteria: Invitae Variant Classification Sherloc (09022015). Collection method: clinical testing. Allele origin: germline.
Comment: This sequence change replaces alanine, which is neutral and non-polar, with valine, which is neutral and non-polar, at codon 13 of the MUTYH protein (p.Ala13Val). This variant is present in population databases (rs587780747, gnomAD 0.003%). This missense change has been observed in individual(s) with MUTYH-related conditions (PMID: 34326862). ClinVar contains an entry for this variant (Variation ID: 135987). An algorithm developed to predict the effect of missense changes on protein structure and function outputs the following: PolyPhen-2: "Benign". The valine amino acid residue is found in multiple mammalian species, which suggests that this missense change does not adversely affect protein function. In summary, the available evidence is currently insufficient to determine the role of this variant in disease. Therefore, it has been classified as a Variant of Uncertain Significance.

Color Diagnostics, LLC DBA Color Health
Classification: Uncertain significance for Hereditary cancer-predisposing syndrome. Last evaluated: 2025-12-11. Review status: criteria provided, single submitter. Criteria: ACMG Guidelines, 2015. Collection method: clinical testing. Allele origin: germline.
Comment: This missense variant replaces alanine with valine at codon 13 of the MUTYH protein. Computational prediction suggests that this variant may not impact protein structure and function. To our knowledge, functional studies have not been reported for this variant. This variant has not been reported in individuals affected with MUTYH-related disorders in the literature. This variant has been identified in 22/1613840 chromosomes in the general population by the Genome Aggregation Database (gnomAD). The available evidence is insufficient to determine the role of this variant in disease conclusively. Therefore, this variant is classified as a Variant of Uncertain Significance.

Ambry Genetics
Classification: Likely benign for Hereditary cancer-predisposing syndrome. Last evaluated: 2025-03-27. Review status: criteria provided, single submitter. Criteria: Ambry Variant Classification Scheme 2023. Collection method: clinical testing. Allele origin: germline.

Women's Health and Genetics/Laboratory Corporation of America, LabCorp
Classification: Uncertain significance. Last evaluated: 2025-03-03. Review status: criteria provided, single submitter. Criteria: LabCorp Variant Classification Summary - May 2015. Collection method: clinical testing. Allele origin: germline.
Comment: Variant summary: MUTYH c.38C>T (p.Ala13Val) results in a non-conservative amino acid change in the encoded protein sequence. Three of four in-silico tools predict a benign effect of the variant on protein function. Several computational tools predict a significant impact on normal splicing: Two predict the variant strengthens a 3' acceptor site. One predict the variant no significant impact on splicing. However, these predictions have yet to be confirmed by functional studies. The variant allele was found at a frequency of 1.2e-05 in 251466 control chromosomes. The available data on variant occurrences in the general population are insufficient to allow any conclusion about variant significance. c.38C>T has been reported in the literature in an individual affected with hereditary cancer (Oliveira_2023). These report(s) do not provide unequivocal conclusions about association of the variant with MUTYH-Associated Polyposis. To our knowledge, no experimental evidence demonstrating an impact on protein function has been reported. The following publication have been ascertained in the context of this evaluation (PMID: 38074417). ClinVar contains an entry for this variant (Variation ID: 135987). Based on the evidence outlined above, the variant was classified as uncertain significance.

Department of Pathology and Laboratory Medicine, Sinai Health System
Classification: Uncertain significance for Familial adenomatous polyposis 2; Gastric cancer. Last evaluated: 2025-01-06. Review status: criteria provided, single submitter. Criteria: ACMG Guidelines, 2015. Collection method: clinical testing. Allele origin: germline.

GeneDx
Classification: Uncertain significance. Last evaluated: 2024-05-20. Review status: criteria provided, single submitter. Criteria: GeneDx Variant Classification Process June 2021. Collection method: clinical testing. Allele origin: germline. Affected: yes.
Comment: Not observed at significant frequency in large population cohorts (gnomAD); In silico analysis indicates that this missense variant does not alter protein structure/function; Identified in an individual with breast cancer (PMID: 34326862); This variant is associated with the following publications: (PMID: 23108399, 35628513, 34326862, 38074417)

All of Us Research Program, National Institutes of Health
Classification: Uncertain significance for Familial adenomatous polyposis 2. Last evaluated: 2024-05-14. Review status: criteria provided, single submitter. Criteria: ACMG Guidelines, 2015. Collection method: clinical testing. Allele origin: germline. Inheritance: Autosomal recessive inheritance. Observed: 6 variant alleles, 6 heterozygotes.
Comment: This missense variant replaces alanine with valine at codon 13 of the MUTYH protein. Computational prediction suggests that this variant may not impact protein structure and function (internally defined REVEL score threshold <= 0.5, PMID: 27666373). To our knowledge, functional studies have not been reported for this variant. This variant has not been reported in individuals affected with hereditary cancer in the literature. This variant has been identified in 3/251466 chromosomes in the general population by the Genome Aggregation Database (gnomAD). The available evidence is insufficient to determine the role of this variant in disease conclusively. Therefore, this variant is classified as a Variant of Uncertain Significance.

This study involves interpretation of variants in research participants for the purpose of population health screening. Participant phenotype was not available at the time of variant classification. Additional details can be found in publication PMID: 35346344, PMCID: PMC8962531

Quest Diagnostics Nichols Institute San Juan Capistrano
Classification: Uncertain significance. Last evaluated: 2022-09-23. Review status: criteria provided, single submitter. Criteria: Quest Diagnostics criteria. Collection method: clinical testing. Allele origin: unknown.
Comment: The frequency of this variant in the general population, 0.000026 (3/113748 chromosomes), is uninformative in assessment of its pathogenicity. In a large-scale case-control study, this variant has been reported in individuals with breast cancer and none of the unaffected controls (PMID: 33471991 (2021), see also LOVD (MUTYH)). Analysis of this variant using bioinformatics tools for the prediction of the effect of amino acid changes on protein structure and function yielded predictions that this variant is benign. Based on the available information, we are unable to determine the clinical significance of this variant.

Institute for Biomarker Research, Medical Diagnostic Laboratories, L.L.C.
Classification: Uncertain significance for Hereditary cancer-predisposing syndrome. Last evaluated: 2017-07-12. Review status: criteria provided, single submitter. Criteria: ACMG Guidelines, 2015. Collection method: clinical testing. Allele origin: germline.

Counsyl
Classification: Uncertain significance for Familial adenomatous polyposis 2. Last evaluated: 2015-12-22. Review status: no assertion criteria provided. Collection method: clinical testing. Allele origin: unknown. Not counted in ClinVar's aggregate classification.

Literature cited by the submitters: PubMed 34326862 (cited by Labcorp Genetics (formerly Invitae), Labcorp and Department of Pathology and Laboratory Medicine, Sinai Health System); PubMed 38074417 (cited by Women's Health and Genetics/Laboratory Corporation of America, LabCorp); PubMed 35628513 (cited by Department of Pathology and Laboratory Medicine, Sinai Health System and Quest Diagnostics Nichols Institute San Juan Capistrano); PubMed 33471991 (cited by Department of Pathology and Laboratory Medicine, Sinai Health System and Quest Diagnostics Nichols Institute San Juan Capistrano).